The following is an entry in ClinVar:

ClinVar aggregate classification (germline): Uncertain significance (1 of 4 stars; one submission).

Submission:

Labcorp Genetics (formerly Invitae), Labcorp
Classification: Uncertain significance. Last evaluated: 2020-02-19. Review status: criteria provided, single submitter. Criteria: Invitae Variant Classification Sherloc (09022015). Collection method: clinical testing. Allele origin: germline.
Comment: Nucleotide substitutions within the consensus splice site are a relatively common cause of aberrant splicing (PMID: 17576681, 9536098). Algorithms developed to predict the effect of sequence changes on RNA splicing suggest that this variant may disrupt the consensus splice site, but this prediction has not been confirmed by published transcriptional studies. In summary, the available evidence is currently insufficient to determine the role of this variant in disease. Therefore, it has been classified as a Variant of Uncertain Significance. This variant has not been reported in the literature in individuals with POLE-related conditions. This sequence change falls in intron 4 of the POLE gene. It does not directly change the encoded amino acid sequence of the POLE protein, but it affects a nucleotide within the consensus splice site of the intron. This variant is not present in population databases (ExAC no frequency).

Literature cited by the submitters: PubMed 17576681; PubMed 9536098.

NM_006231.4(POLE):c.331-3T>A

Gene: POLE (DNA polymerase epsilon, catalytic subunit; minus strand). Cytogenetic location: 12q24.33.
Variant type: single nucleotide variant.
Coding change: c.331-3T>A on transcript NM_006231.4 (MANE Select); 3 bases into the intron before coding-DNA position 331, T replaced by A.
Molecular consequence: intron variant.
Genome position (GRCh38, 1-based): chr12:132,680,049, A>T on the plus strand (T>A on the coding strand, the complement: POLE is on the minus strand). VCF-style: chr12-132680049-A-T. GRCh37 (hg19) VCF-style: chr12-133256635-A-T.
Identifiers: ClinVar variation 1046895 (VCV001046895.9), dbSNP rs1269825866, ClinGen allele CA2073005159.